The following is an entry in ClinVar:

NM_053025.4(MYLK):c.2586G>C (p.Glu862Asp)

Gene: MYLK (myosin light chain kinase; minus strand). Cytogenetic location: 3q21.1.
Variant type: single nucleotide variant.
Coding change: c.2586G>C on transcript NM_053025.4 (MANE Select); coding-DNA position 2586, G replaced by C.
Protein change: p.Glu862Asp; replaces glutamic acid 862 with aspartic acid.
Molecular consequence: missense variant.
Genome position (GRCh38, 1-based): chr3:123,700,882, C>G on the plus strand (G>C on the coding strand, the complement: MYLK is on the minus strand). VCF-style: chr3-123700882-C-G. GRCh37 (hg19) VCF-style: chr3-123419729-C-G.
Other names: c.2058G>C, p.Glu686Asp (NM_001321309.2); c.2379G>C, p.Glu793Asp (NM_053026.4, NM_053028.4); c.2586G>C, p.Glu862Asp (NM_053027.4); short protein forms E686D, E793D, E862D.
Identifiers: ClinVar variation 1004006 (VCV001004006.8), dbSNP rs760372891, ClinGen allele CA068751.

ClinVar aggregate classification (germline): Uncertain significance (1 of 4 stars; one submission).

Conditions:
Aortic aneurysm, familial thoracic 7 (AAT7). Also called: AORTIC DISSECTION, FAMILIAL, WITH OR WITHOUT AORTIC ANEURYSM. Identifiers: MedGen C3151077, MONDO:0013418, OMIM 613780.

Allele frequency attached by ClinVar (database versions not stated): gnomAD exomes below 0.00001 and 0.00001; ExAC 0.00001; TOPMed 0.00001.
gnomAD v4.1: 4 of 1,613,086 alleles (0.00025%); highest among the groups gnomAD compares: African/African-American, 0.0013%; no homozygotes.

Submission:

Labcorp Genetics (formerly Invitae), Labcorp
Classification: Uncertain significance for Aortic aneurysm, familial thoracic 7. Last evaluated: 2020-10-08. Review status: criteria provided, single submitter. Criteria: Invitae Variant Classification Sherloc (09022015). Collection method: clinical testing. Allele origin: germline.
Comment: In summary, the available evidence is currently insufficient to determine the role of this variant in disease. Therefore, it has been classified as a Variant of Uncertain Significance. Advanced modeling of protein sequence and biophysical properties (such as structural, functional, and spatial information, amino acid conservation, physicochemical variation, residue mobility, and thermodynamic stability) performed at Invitae indicates that this missense variant is not expected to disrupt MYLK protein function. This variant has not been reported in the literature in individuals with MYLK-related conditions. This variant is present in population databases (rs760372891, ExAC 0.002%). This sequence change replaces glutamic acid with aspartic acid at codon 862 of the MYLK protein (p.Glu862Asp). The glutamic acid residue is highly conserved and there is a small physicochemical difference between glutamic acid and aspartic acid.